The following is an entry in ClinVar:

ClinVar aggregate classification (germline): Uncertain significance (1 of 4 stars; one submission).

Conditions:
Combined immunodeficiency with skin granulomas. Identifiers: Orphanet 157949, MedGen C2673536, MONDO:0009306, OMIM 233650.
Severe combined immunodeficiency, autosomal recessive, T cell-negative, B cell-negative, NK cell-positive. Also called: SCID, T CELL-NEGATIVE, B CELL-NEGATIVE, NK CELL-POSITIVE; SCID, AR, T-cell negative, B-cell negative, NK cell-positive; Severe combined immunodeficiency due to complete RAG1/2 deficiency. Identifiers: Orphanet 331206, MedGen C1832322, MONDO:0011086, OMIM 601457.

Allele frequency attached by ClinVar (database versions not stated): gnomAD exomes below 0.00001.
gnomAD v4.1: 2 of 1,614,234 alleles (0.00012%); highest among the groups gnomAD compares: Middle Eastern, 0.016%; no homozygotes.

Submission:

Labcorp Genetics (formerly Invitae), Labcorp
Classification: Uncertain significance for Combined immunodeficiency with skin granulomas; Severe combined immunodeficiency, autosomal recessive, T cell-negative, B cell-negative, NK cell-positive. Last evaluated: 2024-10-23. Review status: criteria provided, single submitter. Criteria: Invitae Variant Classification Sherloc (09022015). Collection method: clinical testing. Allele origin: germline.
Comment: This sequence change replaces isoleucine, which is neutral and non-polar, with threonine, which is neutral and polar, at codon 538 of the RAG1 protein (p.Ile538Thr). This variant is not present in population databases (gnomAD no frequency). This variant has not been reported in the literature in individuals affected with RAG1-related conditions. ClinVar contains an entry for this variant (Variation ID: 2110563). Invitae Evidence Modeling of protein sequence and biophysical properties (such as structural, functional, and spatial information, amino acid conservation, physicochemical variation, residue mobility, and thermodynamic stability) has been performed for this missense variant. However, the output from this modeling did not meet the statistical confidence thresholds required to predict the impact of this variant on RAG1 protein function. In summary, the available evidence is currently insufficient to determine the role of this variant in disease. Therefore, it has been classified as a Variant of Uncertain Significance.

NM_000448.3(RAG1):c.1613T>C (p.Ile538Thr)

Gene: RAG1 (recombination activating 1; plus strand). Cytogenetic location: 11p12.
Variant type: single nucleotide variant.
Coding change: c.1613T>C on transcript NM_000448.3 (MANE Select); coding-DNA position 1613, T replaced by C.
Protein change: p.Ile538Thr; replaces isoleucine 538 with threonine.
Molecular consequence: missense variant.
Genome position (GRCh38, 1-based): chr11:36,574,917, T>C. VCF-style: chr11-36574917-T-C. GRCh37 (hg19) VCF-style: chr11-36596467-T-C.
Other names: c.1613T>C, p.Ile538Thr (NM_001377277.1, NM_001377278.1, NM_001377279.1 and 1 more transcripts); short protein forms I538T.
Identifiers: ClinVar variation 2110563 (VCV002110563.4), dbSNP rs2494756912, ClinGen allele CA380152911.